The following is an entry in ClinVar:

ClinVar aggregate classification (germline): Likely benign (1 of 4 stars; one submission).

Conditions:
ACOX2-related disorder. Also called: ACOX2-related condition.

Submission:

PreventionGenetics, part of Exact Sciences
Classification: Likely benign for ACOX2-related condition. Last evaluated: 2026-06-09. Review status: criteria provided, single submitter. Criteria: ACMG Guidelines, 2015. Collection method: clinical testing. Allele origin: germline.
Comment: This variant is classified as likely benign based on ACMG/AMP sequence variant interpretation guidelines (Richards et al. 2015 PMID: 25741868, with internal and published modifications).

NM_003500.4(ACOX2):c.1731C>T (p.Asp577=)

Gene: ACOX2 (acyl-CoA oxidase 2; minus strand). Cytogenetic location: 3p14.3.
Variant type: single nucleotide variant.
Coding change: c.1731C>T on transcript NM_003500.4 (MANE Select); coding-DNA position 1731, C replaced by T.
Protein change: p.Asp577=; no amino-acid change (aspartic acid 577 retained).
Molecular consequence: synonymous variant.
Genome position (GRCh38, 1-based): chr3:58,517,325, G>A on the plus strand (C>T on the coding strand, the complement: ACOX2 is on the minus strand). VCF-style: chr3-58517325-G-A. GRCh37 (hg19) VCF-style: chr3-58503052-G-A.
Identifiers: ClinVar variation 4995040 (VCV004995040.1).